The following is an entry in ClinVar:

ClinVar aggregate classification (germline): Pathogenic/Likely pathogenic. Review status: criteria provided, multiple submitters, no conflicts (2 of 4 stars). 2 submissions from 2 submitters: Pathogenic (1); Likely pathogenic (1). Last evaluated 2022-06-15.

Conditions:
DNAH5-related disorders.
Primary ciliary dyskinesia. Also called: Ciliary dyskinesia. Identifiers: Orphanet 244, MedGen C0008780, MONDO:0016575, HP:0012265.

Allele frequency attached by ClinVar (database versions not stated): gnomAD exomes below 0.00001.

Submissions (2):

Blueprint Genetics
Classification: Likely pathogenic for DNAH5-related disorders. Last evaluated: 2022-06-15. Review status: criteria provided, single submitter. Criteria: ACMG Guidelines, 2015. Collection method: clinical testing. Allele origin: germline. Affected: yes. Observed: 1 variant allele.

Labcorp Genetics (formerly Invitae), Labcorp
Classification: Pathogenic for Primary ciliary dyskinesia. Last evaluated: 2021-08-05. Review status: criteria provided, single submitter. Criteria: Invitae Variant Classification Sherloc (09022015). Collection method: clinical testing. Allele origin: germline.
Comment: For these reasons, this variant has been classified as Pathogenic. This variant has not been reported in the literature in individuals affected with DNAH5-related conditions. This variant is not present in population databases (ExAC no frequency). This sequence change creates a premature translational stop signal (p.Thr2456Hisfs*5) in the DNAH5 gene. It is expected to result in an absent or disrupted protein product. Loss-of-function variants in DNAH5 are known to be pathogenic (PMID: 11788826, 16627867).

Literature cited by the submitters: PubMed 11788826 (cited by Labcorp Genetics (formerly Invitae), Labcorp); PubMed 16627867 (cited by Labcorp Genetics (formerly Invitae), Labcorp).

NM_001369.3(DNAH5):c.7365dup (p.Thr2456fs)

Gene: DNAH5 (dynein axonemal heavy chain 5; minus strand). Cytogenetic location: 5p15.2.
Variant type: Duplication.
Coding change: c.7365dup on transcript NM_001369.3 (MANE Select); coding-DNA position 7365, one base duplicated (C; older notation c.7365dupC).
Protein change: p.Thr2456fs; shifts the reading frame from threonine 2456.
Molecular consequence: frameshift variant.
Genome position (GRCh38, 1-based): chr5:13,811,689, G duplicated on the plus strand (C on the coding strand, the reverse complement: DNAH5 is on the minus strand). VCF-style (leftmost placement, unchanged base first): chr5-13811688-T-TG. GRCh37 (hg19) VCF-style: chr5-13811797-T-TG.
Other names: short protein forms T2456fs.
Identifiers: ClinVar variation 1365192 (VCV001365192.7), dbSNP rs2127026526, ClinGen allele CA2573138477.